The following is an entry in ClinVar:

ClinVar aggregate classification (germline): Likely benign (1 of 4 stars; one submission).

Conditions:
Melanoma, cutaneous malignant, susceptibility to, 3. Also called: Cutaneous malignant melanoma 3. Identifiers: Orphanet 618, MedGen C1836892, MONDO:0012183, OMIM 609048.

Submission:

Myriad Genetics, Inc.
Classification: Likely benign for Melanoma, cutaneous malignant, susceptibility to, 3. Last evaluated: 2024-09-26. Review status: criteria provided, single submitter. Criteria: Myriad Autosomal Dominant, Autosomal Recessive and X-Linked Classification Criteria (2023). Collection method: clinical testing. Allele origin: unknown.
Comment: This variant is considered likely benign. This variant is intronic and is not expected to impact mRNA splicing.

NM_000075.4(CDK4):c.820-12C>T

Genes: CDK4 (cyclin dependent kinase 4; minus strand), MIR6759 (microRNA 6759; minus strand), TSPAN31 (tetraspanin 31; plus strand). Cytogenetic location: 12q14.1.
Variant type: single nucleotide variant.
Coding change: c.820-12C>T on transcript NM_000075.4 (MANE Select); 12 bases into the intron before coding-DNA position 820, C replaced by T.
Molecular consequence: intron variant. On other transcripts: non-coding transcript variant (1), 3 prime UTR variant (3).
Genome position (GRCh38, 1-based): chr12:57,748,629, G>A on the plus strand (C>T on the coding strand, the complement: CDK4 is on the minus strand). VCF-style: chr12-57748629-G-A. GRCh37 (hg19) VCF-style: chr12-58142412-G-A.
Other names: c.*1339G>A (NM_001330168.2, NM_001330169.2, NM_005981.5).
Identifiers: ClinVar variation 3378796 (VCV003378796.1).
Genomic context (GRCh38, chr12:57,748,629, plus strand): 5'-GAGCTCGAAAGGCAGAGATTCGCTTGTGTGGGTTAAAAGTCAGCATTTCCTGAGGGGAGA[G>A]GCAAAGGTCAGAAAACCATGAAGAAAACAGACTTCTGCCCACCCACAACAATACCTGGGA-3'